The following is an entry in ClinVar:

ClinVar aggregate classification (germline): Uncertain significance (1 of 4 stars; one submission).

Submission:

Ambry Genetics
Classification: Uncertain significance. Last evaluated: 2025-03-10. Review status: criteria provided, single submitter. Criteria: Ambry Variant Classification Scheme 2023. Collection method: clinical testing. Allele origin: germline.
Comment: The p.N369D variant (also known as c.1105A>G), located in coding exon 1 of the MLH3 gene, results from an A to G substitution at nucleotide position 1105. The asparagine at codon 369 is replaced by aspartic acid, an amino acid with highly similar properties. This amino acid position is conserved. In addition, the in silico prediction for this alteration is inconclusive. Based on the available evidence, the clinical significance of this variant remains unclear.

NM_001040108.2(MLH3):c.1105A>G (p.Asn369Asp)

Gene: MLH3 (mutL homolog 3; minus strand). Cytogenetic location: 14q24.3.
Variant type: single nucleotide variant.
Coding change: c.1105A>G on transcript NM_001040108.2 (MANE Select); coding-DNA position 1105, A replaced by G.
Protein change: p.Asn369Asp; replaces asparagine 369 with aspartic acid.
Molecular consequence: missense variant.
Genome position (GRCh38, 1-based): chr14:75,048,551, T>C on the plus strand (A>G on the coding strand, the complement: MLH3 is on the minus strand). VCF-style: chr14-75048551-T-C. GRCh37 (hg19) VCF-style: chr14-75515254-T-C.
Other names: c.1105A>G, p.Asn369Asp (NM_014381.3); short protein forms N369D.
Identifiers: ClinVar variation 3873545 (VCV003873545.1).